The following is an entry in ClinVar:

NM_017826.3(SOHLH2):c.165G>A (p.Glu55=)

Genes: CCDC169-SOHLH2 (CCDC169-SOHLH2 readthrough; minus strand), SOHLH2 (spermatogenesis and oogenesis specific basic helix-loop-helix 2; minus strand). Cytogenetic location: 13q13.3.
Variant type: single nucleotide variant.
Coding change: c.165G>A on transcript NM_017826.3 (MANE Select); coding-DNA position 165, G replaced by A.
Protein change: p.Glu55=; no amino-acid change (glutamic acid 55 retained).
Molecular consequence: synonymous variant.
Genome position (GRCh38, 1-based): chr13:36,201,977, C>T on the plus strand (G>A on the coding strand, the complement: SOHLH2 is on the minus strand). VCF-style: chr13-36201977-C-T. GRCh37 (hg19) VCF-style: chr13-36776114-C-T.
Other names: c.396G>A, p.Glu132= (NM_001198910.2); c.165G>A, p.Glu55= (NM_001282147.2).
Identifiers: ClinVar variation 3057667 (VCV003057667.2), dbSNP rs762994605, ClinGen allele CA6949022.
Genomic context (GRCh38, chr13:36,201,977, plus strand): 5'-TGAAGAAGGCACCTTCAAGAGAACCATGTTGAATATGCAATCATCCAAAAGCGCTGCTGC[C>T]TCCTTCGTGTCACTGATGGTGATGGTGACTTCTGCTATGTTTGCAAATAGTTTCTGTACA-3'
Protein context (NP_060296.2, residues 45-65): EVTITISDTK[Glu55=]AAALLDDCIF

ClinVar aggregate classification (germline): Likely benign (0 of 4 stars; one submission).

Conditions:
SOHLH2-related disorder. Also called: SOHLH2-related condition.

Allele frequency attached by ClinVar (database versions not stated): gnomAD 0.00001; TOPMed 0.00001; ExAC 0.00002; gnomAD exomes 0.00002.
gnomAD v4.1: 32 of 1,614,098 alleles (0.002%); highest among the groups gnomAD compares: Non-Finnish European, 0.0027%; no homozygotes.

Submission:

PreventionGenetics, part of Exact Sciences
Classification: Likely benign for SOHLH2-related condition. Last evaluated: 2019-04-23. Review status: no assertion criteria provided. Collection method: clinical testing. Allele origin: germline.
Comment: This variant is classified as likely benign based on ACMG/AMP sequence variant interpretation guidelines (Richards et al. 2015 PMID: 25741868, with internal and published modifications).